The following is an entry in ClinVar:

ClinVar aggregate classification (germline): Pathogenic (1 of 4 stars; one submission).

Conditions:
Early-infantile DEE. Also called: Ohtahara syndrome; Early infantile epileptic encephalopathy; Early infantile epileptic encephalopathy with suppression bursts. Identifiers: Orphanet 1934, MedGen C0393706, MONDO:0800491.

Submission:

Labcorp Genetics (formerly Invitae), Labcorp
Classification: Pathogenic for Early-infantile DEE. Last evaluated: 2022-05-14. Review status: criteria provided, single submitter. Criteria: Invitae Variant Classification Sherloc (09022015). Collection method: clinical testing. Allele origin: germline.
Comment: For these reasons, this variant has been classified as Pathogenic. This variant has not been reported in the literature in individuals affected with KCNQ2-related conditions. This variant is not present in population databases (gnomAD no frequency). This sequence change creates a premature translational stop signal (p.Trp91*) in the KCNQ2 gene. It is expected to result in an absent or disrupted protein product. Loss-of-function variants in KCNQ2 are known to be pathogenic (PMID: 14534157, 23692823, 27779742).

Literature cited by the submitters: PubMed 14534157; PubMed 23692823; PubMed 27779742.

NM_172107.4(KCNQ2):c.272G>A (p.Trp91Ter)

Gene: KCNQ2 (potassium voltage-gated channel subfamily Q member 2; minus strand). Cytogenetic location: 20q13.33.
Variant type: single nucleotide variant.
Coding change: c.272G>A on transcript NM_172107.4 (MANE Select); coding-DNA position 272, G replaced by A.
Protein change: p.Trp91Ter; replaces tryptophan 91 with a stop codon.
Molecular consequence: nonsense.
Genome position (GRCh38, 1-based): chr20:63,472,192, C>T on the plus strand (G>A on the coding strand, the complement: KCNQ2 is on the minus strand). VCF-style: chr20-63472192-C-T. GRCh37 (hg19) VCF-style: chr20-62103545-C-T.
Other names: c.272G>A, p.Trp91Ter (NM_001382235.1, NM_004518.6, NM_172106.3 and 2 more transcripts); short protein forms W91*.
Identifiers: ClinVar variation 1994420 (VCV001994420.4), dbSNP rs2516742945, ClinGen allele CA409635026.
Genomic context (GRCh38, chr20:63,472,192, plus strand): 5'-ATGGGGGTCGCCACGGGGGCCCCGCCGGCCACTCACACGTAGGCGTGGTAGATGAACGCC[C>T]AGCCGCGCGGCCGCTCCAGCACGTTGTAGAGGAAATTCTGCAGCTTGCGGTAGAAGGCGT-3'